The following is an entry in ClinVar:

NM_001099289.3(SH3RF3):c.2351G>A (p.Gly784Asp)

Genes: RANBP2 (RAN binding protein 2; plus strand), SH3RF3 (SH3 domain containing ring finger 3; plus strand). Cytogenetic location: 2q13.
Variant type: single nucleotide variant.
Coding change: c.2351G>A on transcript NM_001099289.3 (MANE Select); coding-DNA position 2351, G replaced by A.
Protein change: p.Gly784Asp; replaces glycine 784 with aspartic acid.
Molecular consequence: missense variant.
Genome position (GRCh38, 1-based): chr2:109,490,807, G>A. VCF-style: chr2-109490807-G-A. GRCh37 (hg19) VCF-style: chr2-110107263-G-A.
Other names: short protein forms G784D.
Identifiers: ClinVar variation 3441118 (VCV003441118.1).

ClinVar aggregate classification (germline): Uncertain significance (1 of 4 stars; one submission).

gnomAD v4.1: 24 of 1,536,886 alleles (0.0016%); highest among the groups gnomAD compares: Admixed American, 0.031%; no homozygotes.

Submission:

Ambry Genetics
Classification: Uncertain significance. Last evaluated: 2024-09-11. Review status: criteria provided, single submitter. Criteria: Ambry Variant Classification Scheme 2023. Collection method: clinical testing. Allele origin: germline.
Comment: The c.2351G>A (p.G784D) alteration is located in exon (coding exon ) of the SH3RF3 gene. This alteration results from a G to A substitution at nucleotide position 2351, causing the glycine (G) at amino acid position 784 to be replaced by an aspartic acid (D). Based on insufficient or conflicting evidence, the clinical significance of this alteration remains unclear.